The following is an entry in ClinVar:

NM_000884.3(IMPDH2):c.1523+6T>C

Gene: IMPDH2 (inosine monophosphate dehydrogenase 2; minus strand). Cytogenetic location: 3p21.31.
Variant type: single nucleotide variant.
Coding change: c.1523+6T>C on transcript NM_000884.3 (MANE Select); 6 bases into the intron after coding-DNA position 1523, T replaced by C.
Molecular consequence: intron variant.
Genome position (GRCh38, 1-based): chr3:49,024,489, A>G on the plus strand (T>C on the coding strand, the complement: IMPDH2 is on the minus strand). VCF-style: chr3-49024489-A-G. GRCh37 (hg19) VCF-style: chr3-49061922-A-G.
Other names: c.1448+6T>C (NM_001410761.1); c.1520+6T>C (NM_001410760.1); c.1595+6T>C (NM_001410759.1).
Identifiers: ClinVar variation 3364704 (VCV003364704.1).

ClinVar aggregate classification (germline): Uncertain significance (1 of 4 stars; one submission).

Submission:

GeneDx
Classification: Uncertain significance. Last evaluated: 2023-11-27. Review status: criteria provided, single submitter. Criteria: GeneDx Variant Classification Process June 2021. Collection method: clinical testing. Allele origin: germline. Affected: yes.
Comment: Not observed at significant frequency in large population cohorts (gnomAD); In silico analysis supports a deleterious effect on splicing; Has not been previously published as pathogenic or benign to our knowledge